The following is an entry in ClinVar:

NM_022124.6(CDH23):c.1241G>T (p.Arg414Leu)

Gene: CDH23 (cadherin related 23; plus strand). Cytogenetic location: 10q22.1.
Variant type: single nucleotide variant.
Coding change: c.1241G>T on transcript NM_022124.6 (MANE Select); coding-DNA position 1241, G replaced by T.
Protein change: p.Arg414Leu; replaces arginine 414 with leucine.
Molecular consequence: missense variant.
Genome position (GRCh38, 1-based): chr10:71,645,931, G>T. VCF-style: chr10-71645931-G-T. GRCh37 (hg19) VCF-style: chr10-73405688-G-T.
Other names: c.1241G>T, p.Arg414Leu (NM_052836.4, NM_001171930.2, NM_001171931.2); short protein forms R414L.
Identifiers: ClinVar variation 3025712 (VCV003025712.22), dbSNP rs561032891, ClinGen allele CA377127781.

ClinVar aggregate classification (germline): Uncertain significance (1 of 4 stars; one submission).

Submission:

CeGaT Center for Human Genetics Tuebingen
Classification: Uncertain significance. Last evaluated: 2024-01-01. Review status: criteria provided, single submitter. Criteria: CeGaT Center For Human Genetics Tuebingen Variant Classification Criteria Version 2. Collection method: clinical testing. Allele origin: germline. Affected: yes. Observed: 1 variant allele.
Comment: CDH23: PM2